The following is an entry in ClinVar:

ClinVar aggregate classification (germline): Uncertain significance (1 of 4 stars; one submission).

Conditions:
Combined immunodeficiency due to OX40 deficiency. Also called: Immunodeficiency 16; OX40 DEFICIENCY. Identifiers: Orphanet 431149, MedGen C3810053, MONDO:0014268, OMIM 615593.

Submission:

Labcorp Genetics (formerly Invitae), Labcorp
Classification: Uncertain significance for Combined immunodeficiency due to OX40 deficiency. Last evaluated: 2021-11-05. Review status: criteria provided, single submitter. Criteria: Invitae Variant Classification Sherloc (09022015). Collection method: clinical testing. Allele origin: germline.
Comment: In summary, the available evidence is currently insufficient to determine the role of this variant in disease. Therefore, it has been classified as a Variant of Uncertain Significance. Algorithms developed to predict the effect of missense changes on protein structure and function are either unavailable or do not agree on the potential impact of this missense change (SIFT: "Tolerated"; PolyPhen-2: "Not Available"; Align-GVGD: "Class C0"). This variant has not been reported in the literature in individuals affected with TNFRSF4-related conditions. This variant is not present in population databases (gnomAD no frequency). This sequence change replaces leucine, which is neutral and non-polar, with valine, which is neutral and non-polar, at codon 19 of the TNFRSF4 protein (p.Leu19Val).

NM_003327.4(TNFRSF4):c.55C>G (p.Leu19Val)

Gene: TNFRSF4 (TNF receptor superfamily member 4; minus strand). Cytogenetic location: 1p36.33.
Variant type: single nucleotide variant.
Coding change: c.55C>G on transcript NM_003327.4 (MANE Select); coding-DNA position 55, C replaced by G.
Protein change: p.Leu19Val; replaces leucine 19 with valine.
Molecular consequence: missense variant.
Genome position (GRCh38, 1-based): chr1:1,214,073, G>C on the plus strand (C>G on the coding strand, the complement: TNFRSF4 is on the minus strand). VCF-style: chr1-1214073-G-C. GRCh37 (hg19) VCF-style: chr1-1149453-G-C.
Other names: short protein forms L19V.
Identifiers: ClinVar variation 1462782 (VCV001462782.6), dbSNP rs931411183, ClinGen allele CA337803085.